The following is an entry in ClinVar:

ClinVar aggregate classification (germline): Conflicting classifications of pathogenicity. Review status: criteria provided, conflicting classifications (1 of 4 stars). 4 submissions from 4 submitters: Uncertain significance (2); Likely benign (2). Last evaluated 2026-01-18.

Conditions:
Inborn genetic diseases. Identifiers: MedGen C0950123, MeSH D030342.
Infantile neuroaxonal dystrophy (NBIA2A). Also called: Infantile neuroaxonal dystrophy 1; SEITELBERGER DISEASE; NEURODEGENERATION WITH BRAIN IRON ACCUMULATION 2A. Identifiers: Orphanet 35069, MedGen C0270724, MONDO:0024457, OMIM 256600.

Allele frequency attached by ClinVar (database versions not stated): gnomAD exomes 0.00024 and 0.00014; ESP Exome Variant Server 0.00031; gnomAD 0.00011; TOPMed 0.00014; ExAC 0.00016.
gnomAD v4.1: 363 of 1,612,920 alleles (0.023%); highest among the groups gnomAD compares: Middle Eastern, 0.033%; 1 homozygote.

Submissions (4):

Labcorp Genetics (formerly Invitae), Labcorp
Classification: Likely benign for Infantile neuroaxonal dystrophy. Last evaluated: 2026-01-18. Review status: criteria provided, single submitter. Criteria: Invitae Variant Classification Sherloc (09022015). Collection method: clinical testing. Allele origin: germline.

Ambry Genetics
Classification: Uncertain significance for Inborn genetic diseases. Last evaluated: 2025-05-28. Review status: criteria provided, single submitter. Criteria: Ambry Variant Classification Scheme 2023. Collection method: clinical testing. Allele origin: germline.
Comment: The c.2277-6G>A intronic alteration consists of a G to A substitution 6 nucleotides before coding exon 16 in the PLA2G6 gene. Based on insufficient or conflicting evidence, the clinical significance of this alteration remains unclear.

Blueprint Genetics
Classification: Likely benign. Last evaluated: 2024-11-15. Review status: criteria provided, single submitter. Criteria: ACMG Guidelines, 2015. Collection method: clinical testing. Allele origin: germline.

CeGaT Center for Human Genetics Tuebingen
Classification: Uncertain significance. Last evaluated: 2018-06-01. Review status: criteria provided, single submitter. Criteria: CeGaT Center For Human Genetics Tuebingen Variant Classification Criteria Version 2. Collection method: clinical testing. Allele origin: germline. Affected: yes. Observed: 1 variant allele.

NM_003560.4(PLA2G6):c.2277-6G>A

Gene: PLA2G6 (phospholipase A2 group VI; minus strand). Cytogenetic location: 22q13.1.
Variant type: single nucleotide variant.
Coding change: c.2277-6G>A on transcript NM_003560.4 (MANE Select); 6 bases into the intron before coding-DNA position 2277, G replaced by A.
Molecular consequence: intron variant.
Genome position (GRCh38, 1-based): chr22:38,112,311, C>T on the plus strand (G>A on the coding strand, the complement: PLA2G6 is on the minus strand). VCF-style: chr22-38112311-C-T. GRCh37 (hg19) VCF-style: chr22-38508318-C-T.
Other names: c.1599-6G>A (NM_001349868.2); c.2115-6G>A (NM_001349866.2, NM_001199562.3, NM_001349865.2 and 1 more transcripts); c.1581-6G>A (NM_001349869.2); c.1743-6G>A (NM_001349867.2); c.2277-6G>A (NM_001349864.2).
Identifiers: ClinVar variation 702733 (VCV000702733.50), dbSNP rs370528124, ClinGen allele CA10230547.